The following is an entry in ClinVar:

ClinVar aggregate classification (germline): Benign/Likely benign. Review status: criteria provided, multiple submitters, no conflicts (2 of 4 stars). 3 submissions from 2 submitters: Benign (2); Likely benign (1). Last evaluated 2021-05-21.

Conditions:
Weill-Marchesani syndrome. Also called: WM Syndrome; Mesodermal dysmorphodystrophy congenital. Identifiers: Orphanet 3449, MedGen C0265313, MONDO:0018096.
Glaucoma 3, primary congenital, D. Identifiers: Orphanet 98976, MedGen C2751316, MONDO:0013122, OMIM 613086.

Allele frequency attached by ClinVar (database versions not stated): gnomAD exomes 0.00265; gnomAD 0.01492 and 0.01598; 1000 Genomes Project 0.01597; 1000 Genomes Project 30x 0.01686; TOPMed 0.01691.
gnomAD v4.1: 2,394 of 203,840 alleles (1.2%); highest among the groups gnomAD compares: African/African-American, 5.2%; 67 homozygotes.

Submissions (3):

GeneDx
Classification: Benign. Last evaluated: 2021-05-21. Review status: criteria provided, single submitter. Criteria: GeneDx Variant Classification Process June 2021. Collection method: clinical testing. Allele origin: germline. Affected: yes.

Illumina Laboratory Services, Illumina
Classification: Likely benign for Glaucoma 3, primary congenital, D. Last evaluated: 2018-01-12. Review status: criteria provided, single submitter. Criteria: ICSL Variant Classification Criteria 13 December 2019. Collection method: clinical testing. Allele origin: germline.
Comment: This variant was observed in the ICSL laboratory as part of a predisposition screen in an ostensibly healthy population. It had not been previously curated by ICSL or reported in the Human Gene Mutation Database (HGMD: prior to June 1st, 2018), and was therefore a candidate for classification through an automated scoring system. Utilizing variant allele frequency, disease prevalence and penetrance estimates, and inheritance mode, an automated score was calculated to assess if this variant is too frequent to cause the disease. Based on the score and internal cut-off values, a variant classified as likely benign is not then subjected to further curation. The score for this variant resulted in a classification of likely benign for this disease.

Illumina Laboratory Services, Illumina
Classification: Benign for Weill-Marchesani syndrome. Last evaluated: 2018-01-12. Review status: criteria provided, single submitter. Criteria: ICSL Variant Classification Criteria 13 December 2019. Collection method: clinical testing. Allele origin: germline.
Comment: This variant was observed in the ICSL laboratory as part of a predisposition screen in an ostensibly healthy population. It had not been previously curated by ICSL or reported in the Human Gene Mutation Database (HGMD: prior to June 1st, 2018), and was therefore a candidate for classification through an automated scoring system. Utilizing variant allele frequency, disease prevalence and penetrance estimates, and inheritance mode, an automated score was calculated to assess if this variant is too frequent to cause the disease. Based on the score and internal cut-off values, a variant classified as benign is not then subjected to further curation. The score for this variant resulted in a classification of benign for this disease.

NM_000428.3(LTBP2):c.*2463G>T

Gene: LTBP2 (latent transforming growth factor beta binding protein 2; minus strand). Cytogenetic location: 14q24.3.
Variant type: single nucleotide variant.
Coding change: c.*2463G>T on transcript NM_000428.3 (MANE Select); 2463 bases downstream of the stop codon, G replaced by T.
Molecular consequence: 3 prime UTR variant.
Genome position (GRCh38, 1-based): chr14:74,498,421, C>A on the plus strand (G>T on the coding strand, the complement: LTBP2 is on the minus strand). VCF-style: chr14-74498421-C-A. GRCh37 (hg19) VCF-style: chr14-74965124-C-A.
Identifiers: ClinVar variation 886322 (VCV000886322.6), dbSNP rs10141546, ClinGen allele CA263575144.